The following is an entry in ClinVar:

ClinVar aggregate classification (germline): Likely benign. Review status: reviewed by expert panel (3 of 4 stars). 10 submissions from 10 submitters: Likely benign (1). 9 of the submissions do not count toward it. Last evaluated 2023-02-26.

Conditions:
Classic or attenuated familial adenomatous polyposis. Identifiers: MedGen CN372698, MONDO:0021057.
APC-related disorder. Also called: APC-related condition.
Hereditary cancer-predisposing syndrome. Also called: Neoplastic Syndromes, Hereditary; Tumor predisposition; Hereditary neoplastic syndrome; Hereditary Cancer Syndrome. Identifiers: Orphanet 140162, MedGen C0027672, MeSH D009386, MONDO:0015356.
Familial adenomatous polyposis 1 (FAP1). Also called: FAMILIAL ADENOMATOUS POLYPOSIS 1, ATTENUATED; POLYPOSIS, ADENOMATOUS INTESTINAL. Identifiers: MedGen C2713442, MONDO:0021056, OMIM 175100. Disease mechanism: loss of function.

Allele frequency attached by ClinVar (database versions not stated): gnomAD 0.00001; gnomAD exomes 0.00001; TOPMed 0.00001.
gnomAD v4.1: 15 of 1,614,040 alleles (0.00093%); highest among the groups gnomAD compares: Non-Finnish European, 0.0011%; no homozygotes.

Submissions (10):

ClinGen InSiGHT Hereditary Colorectal Cancer/Polyposis Variant Curation Expert Panel
Classification: Likely benign for Familial adenomatous polyposis 1. Last evaluated: 2023-02-26. Review status: reviewed by expert panel. Criteria: ClinGen InSiGHT HCCP VCEP ACMG Specifications APC V1. Collection method: curation. Allele origin: germline. Inheritance: Autosomal dominant inheritance.
Comment: The c.4906G>T variant in APC is a missense variant predicted to cause the substitution of aspartate by tyrosine at amino acid position 1636 (p.Asp1636Tyr). APC is defined by the ClinGen InSiGHT Hereditary Colorectal Cancer/Polyposis Variant Curation Expert Panel (HCCP VCEP) as a gene for which primarily truncating variants are known to cause disease (BP1). This variant has been observed in trans with the variant c.3100G>T (p.Glu1034*) (Bonn internal data) which is classified as Pathogenic by the HCCP VCEP in an individual with FAP (BP2). This variant has been observed in heterozygous state in 11 unrelated healthy adult individuals worth more than 10 healthy individual points in total (BS2; Ambry Genetics internal data). This variant is absent from gnomAD v2.1.1 (PM2_Supporting). In summary, although there are both pathogenic and benign types of evidence for this variant, the pathogenic/benign evidence is not considered inconsistent with the final Likely Benign classification for FAP. ACMG/AMP criteria applied, as specified by the HCCP VCEP: BS2, BP1, and BP2 (VCEP specifications version 1; date of approval: 12/12/2022).

Labcorp Genetics (formerly Invitae), Labcorp
Classification: Uncertain significance for Familial adenomatous polyposis 1. Last evaluated: 2025-12-23. Review status: criteria provided, single submitter. Criteria: Invitae Variant Classification Sherloc (09022015). Collection method: clinical testing. Allele origin: germline. Not counted in ClinVar's aggregate classification.
Comment: This sequence change replaces aspartic acid, which is acidic and polar, with tyrosine, which is neutral and polar, at codon 1636 of the APC protein (p.Asp1636Tyr). This variant is not present in population databases (gnomAD no frequency). This variant has not been reported in the literature in individuals affected with APC-related conditions. ClinVar contains an entry for this variant (Variation ID: 183069). Invitae Evidence Modeling of protein sequence and biophysical properties (such as structural, functional, and spatial information, amino acid conservation, physicochemical variation, residue mobility, and thermodynamic stability) indicates that this missense variant is not expected to disrupt APC protein function with a negative predictive value of 95%. In summary, the available evidence is currently insufficient to determine the role of this variant in disease. Therefore, it has been classified as a Variant of Uncertain Significance.

PreventionGenetics, part of Exact Sciences
Classification: Uncertain significance for APC-related condition. Last evaluated: 2025-10-21. Review status: criteria provided, single submitter. Criteria: ACMG Guidelines, 2015. Collection method: clinical testing. Allele origin: germline. Not counted in ClinVar's aggregate classification.
Comment: The APC c.4906G>T variant is predicted to result in the amino acid substitution p.Asp1636Tyr. To our knowledge, this variant has not been reported in the literature or in gnomAD, indicating this variant is rare. This variant has conflicting interpretations of pathogenicity in ClinVar of uncertain significance and likely benign (Variation ID: 183069). Although we suspect that this variant may be benign, at this time, the clinical significance of this variant is uncertain due to the absence of conclusive functional and genetic evidence.

Ambry Genetics
Classification: Likely benign for Hereditary cancer-predisposing syndrome. Last evaluated: 2025-09-15. Review status: criteria provided, single submitter. Criteria: Ambry Variant Classification Scheme 2023. Collection method: clinical testing. Allele origin: germline. Not counted in ClinVar's aggregate classification.

GeneDx
Classification: Uncertain significance. Last evaluated: 2025-03-18. Review status: criteria provided, single submitter. Criteria: GeneDx Variant Classification Process June 2021. Collection method: clinical testing. Allele origin: germline. Affected: yes. Not counted in ClinVar's aggregate classification.
Comment: Not observed at significant frequency in large population cohorts (gnomAD); In silico analysis supports that this missense variant has a deleterious effect on protein structure/function; Identified in individual(s) with personal or family history of breast cancer (PMID: 35534704); This variant is associated with the following publications: (PMID: 35534704, 18199528)

All of Us Research Program, National Institutes of Health
Classification: Uncertain significance for Classic or attenuated familial adenomatous polyposis. Last evaluated: 2023-12-01. Review status: criteria provided, single submitter. Criteria: ACMG Guidelines, 2015. Collection method: clinical testing. Allele origin: germline. Inheritance: Autosomal dominant inheritance. Observed: 1 variant allele, 1 heterozygote. Not counted in ClinVar's aggregate classification.
Comment: This missense variant replaces aspartic acid with tyrosine at codon 1636 of the APC protein. Computational prediction suggests that this variant may have deleterious impact on protein structure and function (internally defined REVEL score threshold >= 0.7, PMID: 27666373). To our knowledge, functional studies have not been reported for this variant. This variant has not been reported in individuals affected with hereditary cancer in the literature. This variant has not been identified in the general population by the Genome Aggregation Database (gnomAD). The available evidence is insufficient to determine the role of this variant in disease conclusively. Therefore, this variant is classified as a Variant of Uncertain Significance.

This study involves interpretation of variants in research participants for the purpose of population health screening. Participant phenotype was not available at the time of variant classification. Additional details can be found in publication PMID: 35346344, PMCID: PMC8962531

Color Diagnostics, LLC DBA Color Health
Classification: Uncertain significance for Hereditary cancer-predisposing syndrome. Last evaluated: 2023-04-11. Review status: criteria provided, single submitter. Criteria: ACMG Guidelines, 2015. Collection method: clinical testing. Allele origin: germline. Not counted in ClinVar's aggregate classification.
Comment: This missense variant replaces aspartic acid with tyrosine at codon 1636 of the APC protein. Computational prediction suggests that this variant may have deleterious impact on protein structure and function (internally defined REVEL score threshold >= 0.7, PMID: 27666373). To our knowledge, functional studies have not been reported for this variant. This variant has not been reported in individuals affected with APC-related disorders in the literature. This variant has not been identified in the general population by the Genome Aggregation Database (gnomAD). The available evidence is insufficient to determine the role of this variant in disease conclusively. Therefore, this variant is classified as a Variant of Uncertain Significance.

Myriad Genetics, Inc.
Classification: Uncertain significance for Familial adenomatous polyposis 1. Last evaluated: 2023-02-17. Review status: criteria provided, single submitter. Criteria: Myriad Autosomal Dominant, Autosomal Recessive and X-Linked Classification Criteria (2023). Collection method: clinical testing. Allele origin: unknown. Not counted in ClinVar's aggregate classification.
Comment: This variant is classified as a variant of uncertain significance as there is insufficient evidence to determine its impact on protein function and/or cancer risk.

Department of Pathology and Laboratory Medicine, Sinai Health System
Classification: Uncertain significance for classic or attenuated familial adenomatous polyposis. Last evaluated: 2021-01-08. Review status: criteria provided, single submitter. Criteria: ACMG Guidelines, 2015. Collection method: clinical testing. Allele origin: germline. Affected: yes. Not counted in ClinVar's aggregate classification.

Counsyl
Classification: Uncertain significance for Familial adenomatous polyposis 1. Last evaluated: 2016-04-28. Review status: no assertion criteria provided. Collection method: clinical testing. Allele origin: unknown. Not counted in ClinVar's aggregate classification.

NM_000038.6(APC):c.4906G>T (p.Asp1636Tyr)

Gene: APC (APC regulator of Wnt signaling pathway; plus strand). Cytogenetic location: 5q22.2.
Variant type: single nucleotide variant.
Coding change: c.4906G>T on transcript NM_000038.6 (MANE Select); coding-DNA position 4906, G replaced by T.
Protein change: p.Asp1636Tyr; replaces aspartic acid 1636 with tyrosine.
Molecular consequence: missense variant.
Genome position (GRCh38, 1-based): chr5:112,840,500, G>T. VCF-style: chr5-112840500-G-T. GRCh37 (hg19) VCF-style: chr5-112176197-G-T.
Other names: NM_000038.6(APC):c.4906G>T; p.Asp1636Tyr; c.4906G>T, p.Asp1636Tyr (NM_001127510.3, NM_001354895.2); c.4852G>T, p.Asp1618Tyr (NM_001127511.3); c.4960G>T, p.Asp1654Tyr (NM_001354896.2); c.4936G>T, p.Asp1646Tyr (NM_001354897.2); c.4831G>T, p.Asp1611Tyr (NM_001354898.2); c.4822G>T, p.Asp1608Tyr (NM_001354899.2); and 7 more; short protein forms D1618Y, D1636Y, D1476Y, D1611Y, D1646Y, D1510Y, D1577Y, D1608Y.
Identifiers: ClinVar variation 183069 (VCV000183069.34), dbSNP rs730882128, ClinGen allele CA009798.